The following is an entry in ClinVar:

ClinVar aggregate classification (germline): Likely benign. Review status: criteria provided, multiple submitters, no conflicts (2 of 4 stars). 3 submissions from 3 submitters: Likely benign (3). Last evaluated 2026-06-16.

Conditions:
GDF2-related disorder. Also called: GDF2-related condition.
Telangiectasia, hereditary hemorrhagic, type 5 (HHT5). Identifiers: Orphanet 774, MedGen C3809710, MONDO:0014217, OMIM 615506.
Cardiovascular phenotype. Identifiers: MedGen CN230736.

Allele frequency attached by ClinVar (database versions not stated): gnomAD 0.00003; TOPMed 0.00003.
gnomAD v4.1: 29 of 1,612,764 alleles (0.0018%); highest among the groups gnomAD compares: African/African-American, 0.0053%; no homozygotes.

Submissions (3):

PreventionGenetics, part of Exact Sciences
Classification: Likely benign for GDF2-related condition. Last evaluated: 2026-06-16. Review status: criteria provided, single submitter. Criteria: ACMG Guidelines, 2015. Collection method: clinical testing. Allele origin: germline.
Comment: This variant is classified as likely benign based on ACMG/AMP sequence variant interpretation guidelines (Richards et al. 2015 PMID: 25741868, with internal and published modifications).

Labcorp Genetics (formerly Invitae), Labcorp
Classification: Likely benign for Telangiectasia, hereditary hemorrhagic, type 5. Last evaluated: 2024-02-23. Review status: criteria provided, single submitter. Criteria: Invitae Variant Classification Sherloc (09022015). Collection method: clinical testing. Allele origin: germline.

Ambry Genetics
Classification: Likely benign for Cardiovascular phenotype. Last evaluated: 2019-10-28. Review status: criteria provided, single submitter. Criteria: Ambry Variant Classification Scheme 2023. Collection method: clinical testing. Allele origin: germline.

NM_016204.4(GDF2):c.108C>T (p.Asn36=)

Gene: GDF2 (growth differentiation factor 2; plus strand). Cytogenetic location: 10q11.22.
Variant type: single nucleotide variant.
Coding change: c.108C>T on transcript NM_016204.4 (MANE Select); coding-DNA position 108, C replaced by T.
Protein change: p.Asn36=; no amino-acid change (asparagine 36 retained).
Molecular consequence: synonymous variant.
Genome position (GRCh38, 1-based): chr10:47,322,776, C>T. VCF-style: chr10-47322776-C-T. GRCh37 (hg19) VCF-style: chr10-48416586-G-A.
Other names: c.108C>T (NM_016204.3).
Identifiers: ClinVar variation 1788806 (VCV001788806.6), dbSNP rs146466245, ClinGen allele CA5488205.
Genomic context (GRCh38, chr10:47,322,776, plus strand): 5'-GGCTGGCTCCCTACAGGGGAAGCCACTGCAGAGCTGGGGACGAGGGTCTGCTGGGGGAAA[C>T]GCCCACAGCCCACTGGGGGTGCCTGGAGGTGGGCTGCCTGAGCACACCTTCAACCTGAAG-3'
Protein context (NP_057288.1, residues 26-46): QSWGRGSAGG[Asn36=]AHSPLGVPGG